The following is an entry in ClinVar:

NM_001384900.1(SEMA3D):c.1503+1G>A

Gene: SEMA3D (semaphorin 3D; minus strand). Cytogenetic location: 7q21.11.
Variant type: single nucleotide variant.
Coding change: c.1503+1G>A on transcript NM_001384900.1 (MANE Select); the canonical splice donor site of the intron after coding-DNA position 1503, G replaced by A.
Molecular consequence: splice donor variant.
Genome position (GRCh38, 1-based): chr7:85,020,232, C>T on the plus strand (G>A on the coding strand, the complement: SEMA3D is on the minus strand). VCF-style: chr7-85020232-C-T. GRCh37 (hg19) VCF-style: chr7-84649548-C-T.
Other names: c.1503+1G>A (NM_001384901.1, NM_001384903.1, NM_001384902.1 and 1 more transcripts).
Identifiers: ClinVar variation 4994061 (VCV004994061.1).

ClinVar aggregate classification (germline): Uncertain significance (1 of 4 stars; one submission).

Conditions:
SEMA3D-related disorder. Also called: SEMA3D-related condition.

gnomAD v4.1: 3 of 1,601,272 alleles (0.00019%); highest among the groups gnomAD compares: East Asian, 0.0022%; no homozygotes.

Submission:

PreventionGenetics, part of Exact Sciences
Classification: Uncertain significance for SEMA3D-related condition. Last evaluated: 2025-10-17. Review status: criteria provided, single submitter. Criteria: ACMG Guidelines, 2015. Collection method: clinical testing. Allele origin: germline.
Comment: The SEMA3D c.1503+1G>A variant is predicted to disrupt the GT donor site and interfere with normal splicing. To our knowledge, this variant has not been reported in the literature. This variant is reported in 0.0055% of alleles in individuals of East Asian descent in gnomAD. At this time, the clinical significance of this variant is uncertain due to the absence of conclusive functional and genetic evidence.